The following is an entry in ClinVar:

NM_001009944.3(PKD1):c.12569C>T (p.Ser4190Phe)

Gene: PKD1 (polycystin 1, transient receptor potential channel interacting; minus strand). Cytogenetic location: 16p13.3.
Variant type: single nucleotide variant.
Coding change: c.12569C>T on transcript NM_001009944.3 (MANE Select); coding-DNA position 12569, C replaced by T.
Protein change: p.Ser4190Phe; replaces serine 4190 with phenylalanine.
Molecular consequence: missense variant.
Genome position (GRCh38, 1-based): chr16:2,090,070, G>A on the plus strand (C>T on the coding strand, the complement: PKD1 is on the minus strand). VCF-style: chr16-2090070-G-A. GRCh37 (hg19) VCF-style: chr16-2140071-G-A.
Other names: c.12566C>T, p.Ser4189Phe (NM_000296.4); short protein forms S4189F, S4190F.
Identifiers: ClinVar variation 2662415 (VCV002662415.3), dbSNP rs547854563, ClinGen allele CA7828535.
Genomic context (GRCh38, chr16:2,090,070, plus strand): 5'-GGCTCACACCTTGTCCCCAGCCGGCCCAGGCTCACGCTCAGCCCATCCAGCTGGCTGGAG[G>A]AGGTGGAGGGGTGCGAGGCATCGGAGCCAGCGCTGGGTGGGGGCACATCCGGGGATACCT-3'
Protein context (NP_001009944.3, residues 4180-4200): AGSDASHPST[Ser4190Phe]SSQLDGLSVS

ClinVar aggregate classification (germline): Uncertain significance. Review status: criteria provided, single submitter (1 of 4 stars). 2 submissions from 2 submitters: Uncertain significance (1). 1 of the submissions does not count toward it. Last evaluated 2023-04-03.

Conditions:
PKD1-related disorder. Also called: PKD1-related condition.

Allele frequency attached by ClinVar (database versions not stated): TOPMed 0.00006; gnomAD 0.00007.
gnomAD v4.1: 152 of 1,610,748 alleles (0.0094%); highest among the groups gnomAD compares: Middle Eastern, 0.016%; no homozygotes.

Submissions (2):

GeneDx
Classification: Uncertain significance. Last evaluated: 2023-04-03. Review status: criteria provided, single submitter. Criteria: GeneDx Variant Classification Process June 2021. Collection method: clinical testing. Allele origin: germline. Affected: yes.
Comment: In silico analysis supports that this missense variant has a deleterious effect on protein structure/function; This variant is associated with the following publications: (PMID: 11967008, 31157564, 9199561, 11115377, 27782177)

PreventionGenetics, part of Exact Sciences
Classification: Uncertain significance for PKD1-related condition. Last evaluated: 2023-12-22. Review status: no assertion criteria provided. Collection method: clinical testing. Allele origin: germline. Not counted in ClinVar's aggregate classification.
Comment: The PKD1 c.12569C>T variant is predicted to result in the amino acid substitution p.Ser4190Phe. This variant has been reported in individuals with autosomal dominant polycystic kidney disease (ADPKD) (reported as "probably pathogenic mutation" S4190F in Supplementary Table 2 of Jin et al. 2016. PubMed ID: 27782177; reported as S/F4189 in Table 5 and classified as "polymorphism" in Rossetti et al. 2002. PubMed ID: 11967008). This variant is reported in 0.0088% of alleles in individuals of European (Non-Finnish) descent in gnomAD. At this time, the clinical significance of this variant is uncertain due to the absence of conclusive functional and genetic evidence.